The following is an entry in ClinVar:

NM_001184.4(ATR):c.3945+4T>C

Gene: ATR (ATR checkpoint kinase; minus strand). Cytogenetic location: 3q23.
Variant type: single nucleotide variant.
Coding change: c.3945+4T>C on transcript NM_001184.4 (MANE Select); 4 bases into the intron after coding-DNA position 3945, T replaced by C.
Molecular consequence: intron variant.
Genome position (GRCh38, 1-based): chr3:142,535,076, A>G on the plus strand (T>C on the coding strand, the complement: ATR is on the minus strand). VCF-style: chr3-142535076-A-G. GRCh37 (hg19) VCF-style: chr3-142253918-A-G.
Other names: c.3753+4T>C (NM_001354579.2).
Identifiers: ClinVar variation 4742084 (VCV004742084.1).
Genomic context (GRCh38, chr3:142,535,076, plus strand): 5'-ATCTTTTCTTTAAGCCTCCAATCTTTCTTTGTTATACATTTTTAATTATATCATATTAGC[A>G]TACCTGATTTTTATACAAGGTTTCCTTCAAGCTTGTAAGAGCATGAATACGAACATCGAC-3'

ClinVar aggregate classification (germline): Uncertain significance (1 of 4 stars; one submission).

Submission:

Labcorp Genetics (formerly Invitae), Labcorp
Classification: Uncertain significance. Last evaluated: 2025-08-05. Review status: criteria provided, single submitter. Criteria: Invitae Variant Classification Sherloc (09022015). Collection method: clinical testing. Allele origin: germline.
Comment: This sequence change falls in intron 21 of the ATR gene. It does not directly change the encoded amino acid sequence of the ATR protein. It affects a nucleotide within the consensus splice site. This variant is not present in population databases (gnomAD no frequency). This variant has not been reported in the literature in individuals affected with ATR-related conditions. Variants that disrupt the consensus splice site are a relatively common cause of aberrant splicing (PMID: 17576681, 9536098). Algorithms developed to predict the effect of sequence changes on RNA splicing suggest that this variant is not likely to affect RNA splicing. In summary, the available evidence is currently insufficient to determine the role of this variant in disease. Therefore, it has been classified as a Variant of Uncertain Significance.

Literature cited by the submitters: PubMed 17576681; PubMed 9536098.